The following is an entry in ClinVar:

ClinVar aggregate classification (germline): Uncertain significance (1 of 4 stars; one submission).

Conditions:
Werner syndrome (WRN). Identifiers: Orphanet 902, MedGen C0043119, MONDO:0010196, OMIM 277700.

Allele frequency attached by ClinVar (database versions not stated): gnomAD exomes below 0.00001; ExAC 0.00001; gnomAD 0.00001; 1000 Genomes Project 30x 0.00016; 1000 Genomes Project 0.00020.
gnomAD v4.1: 2 of 1,613,296 alleles (0.00012%); highest among the groups gnomAD compares: South Asian, 0.0022%; no homozygotes.

Submission:

Labcorp Genetics (formerly Invitae), Labcorp
Classification: Uncertain significance for Werner syndrome. Last evaluated: 2022-01-15. Review status: criteria provided, single submitter. Criteria: Invitae Variant Classification Sherloc (09022015). Collection method: clinical testing. Allele origin: germline.
Comment: This sequence change replaces aspartic acid, which is acidic and polar, with glutamic acid, which is acidic and polar, at codon 511 of the WRN protein (p.Asp511Glu). The frequency data for this variant in the population databases is considered unreliable, as metrics indicate poor data quality at this position in the gnomAD database. This variant has not been reported in the literature in individuals affected with WRN-related conditions. Algorithms developed to predict the effect of missense changes on protein structure and function output the following: SIFT: "Not Available"; PolyPhen-2: "Benign"; Align-GVGD: "Not Available". The glutamic acid amino acid residue is found in multiple mammalian species, which suggests that this missense change does not adversely affect protein function. In summary, the available evidence is currently insufficient to determine the role of this variant in disease. Therefore, it has been classified as a Variant of Uncertain Significance.

NM_000553.6(WRN):c.1533T>A (p.Asp511Glu)

Gene: WRN (WRN RecQ like helicase; plus strand). Cytogenetic location: 8p12.
Variant type: single nucleotide variant.
Coding change: c.1533T>A on transcript NM_000553.6 (MANE Select); coding-DNA position 1533, T replaced by A.
Protein change: p.Asp511Glu; replaces aspartic acid 511 with glutamic acid.
Molecular consequence: missense variant.
Genome position (GRCh38, 1-based): chr8:31,087,877, T>A. VCF-style: chr8-31087877-T-A. GRCh37 (hg19) VCF-style: chr8-30945393-T-A.
Other names: short protein forms D511E.
Identifiers: ClinVar variation 2063554 (VCV002063554.1), dbSNP rs531326550, ClinGen allele CA4704398.